The following is an entry in ClinVar:

NM_006514.4(SCN10A):c.1172T>C (p.Leu391Ser)

Gene: SCN10A (sodium voltage-gated channel alpha subunit 10; minus strand). Cytogenetic location: 3p22.2.
Variant type: single nucleotide variant.
Coding change: c.1172T>C on transcript NM_006514.4 (MANE Select); coding-DNA position 1172, T replaced by C.
Protein change: p.Leu391Ser; replaces leucine 391 with serine.
Molecular consequence: missense variant.
Genome position (GRCh38, 1-based): chr3:38,756,792, A>G on the plus strand (T>C on the coding strand, the complement: SCN10A is on the minus strand). VCF-style: chr3-38756792-A-G. GRCh37 (hg19) VCF-style: chr3-38798283-A-G.
Other names: c.1172T>C, p.Leu391Ser (NM_001293306.2, NM_001293307.2); short protein forms L391S.
Identifiers: ClinVar variation 1739953 (VCV001739953.2), dbSNP rs2470791327, ClinGen allele CA352169815.

ClinVar aggregate classification (germline): Uncertain significance (1 of 4 stars; one submission).

Conditions:
Cardiovascular phenotype. Identifiers: MedGen CN230736.

Submission:

Ambry Genetics
Classification: Uncertain significance for Cardiovascular phenotype. Last evaluated: 2022-02-08. Review status: criteria provided, single submitter. Criteria: Ambry Variant Classification Scheme 2023. Collection method: clinical testing. Allele origin: germline.
Comment: The p.L391S variant (also known as c.1172T>C), located in coding exon 9 of the SCN10A gene, results from a T to C substitution at nucleotide position 1172. The leucine at codon 391 is replaced by serine, an amino acid with dissimilar properties. This amino acid position is conserved. In addition, this alteration is predicted to be deleterious by in silico analysis. Since supporting evidence is limited at this time, the clinical significance of this alteration remains unclear.